The following is an entry in ClinVar:

ClinVar aggregate classification (germline): Uncertain significance (1 of 4 stars; one submission).

Conditions:
Spinocerebellar ataxia type 19/22 (SCA19). Also called: SPINOCEREBELLAR ATAXIA 22; SPINOCEREBELLAR ATAXIA 19. Identifiers: Orphanet 98772, MedGen C1846367, MONDO:0011819, OMIM 607346.

Submission:

Labcorp Genetics (formerly Invitae), Labcorp
Classification: Uncertain significance for Spinocerebellar ataxia type 19/22. Last evaluated: 2023-07-25. Review status: criteria provided, single submitter. Criteria: Invitae Variant Classification Sherloc (09022015). Collection method: clinical testing. Allele origin: germline.
Comment: In summary, the available evidence is currently insufficient to determine the role of this variant in disease. Therefore, it has been classified as a Variant of Uncertain Significance. Advanced modeling of protein sequence and biophysical properties (such as structural, functional, and spatial information, amino acid conservation, physicochemical variation, residue mobility, and thermodynamic stability) performed at Invitae indicates that this missense variant is not expected to disrupt KCND3 protein function. This variant has not been reported in the literature in individuals affected with KCND3-related conditions. This variant is not present in population databases (gnomAD no frequency). This sequence change replaces alanine, which is neutral and non-polar, with serine, which is neutral and polar, at codon 247 of the KCND3 protein (p.Ala247Ser).

NM_001378969.1(KCND3):c.739G>T (p.Ala247Ser)

Gene: KCND3 (potassium voltage-gated channel subfamily D member 3; minus strand). Cytogenetic location: 1p13.2.
Variant type: single nucleotide variant.
Coding change: c.739G>T on transcript NM_001378969.1 (MANE Select); coding-DNA position 739, G replaced by T.
Protein change: p.Ala247Ser; replaces alanine 247 with serine.
Molecular consequence: missense variant.
Genome position (GRCh38, 1-based): chr1:111,981,988, C>A on the plus strand (G>T on the coding strand, the complement: KCND3 is on the minus strand). VCF-style: chr1-111981988-C-A. GRCh37 (hg19) VCF-style: chr1-112524610-C-A.
Other names: c.739G>T, p.Ala247Ser (NM_001378970.1, NM_004980.5, NM_172198.3); short protein forms A247S.
Identifiers: ClinVar variation 2912210 (VCV002912210.3), dbSNP rs373756710, ClinGen allele CA341821470.